The following is an entry in ClinVar:

NM_006941.4(SOX10):c.425G>C (p.Trp142Ser)

Genes: POLR2F (RNA polymerase II, I and III subunit F; plus strand), SOX10 (SRY-box transcription factor 10; minus strand). Cytogenetic location: 22q13.1.
Variant type: single nucleotide variant.
Coding change: c.425G>C on transcript NM_006941.4 (MANE Select); coding-DNA position 425, G replaced by C.
Protein change: p.Trp142Ser; replaces tryptophan 142 with serine.
Molecular consequence: missense variant. On other transcripts: intron variant (3).
Genome position (GRCh38, 1-based): chr22:37,983,360, C>G on the plus strand (G>C on the coding strand, the complement: SOX10 is on the minus strand). VCF-style: chr22-37983360-C-G. GRCh37 (hg19) VCF-style: chr22-38379367-C-G.
Other names: c.*38+11050C>G (NM_001363825.1); c.294-2794C>G (NM_001301130.2); c.293+16190C>G (NM_001301131.2); short protein forms W142S.
Identifiers: ClinVar variation 915461 (VCV000915461.5), dbSNP rs886039664, ClinGen allele CA411499989.
Genomic context (GRCh38, chr22:37,983,360, plus strand): 5'-ACCCTGAATCCACCCGAAGCTAGAGGGCCCGAGCCCGGGGGGCGGTCGGGTGCTCACCTC[C>G]AGAGCTTGCCCAGCGTCTTGCTGAGCTCAGCGTTGTGCAGGTGCGGGTACTGGTCCGCGA-3'
Protein context (NP_008872.1, residues 132-152): AELSKTLGKL[Trp142Ser]RLLNESDKRP

ClinVar aggregate classification (germline): Pathogenic (0 of 4 stars; one submission).

Conditions:
PCWH syndrome. Also called: WAARDENBURG-SHAH SYNDROME, NEUROLOGIC VARIANT. Identifiers: Orphanet 163746, MedGen C1836727, MONDO:0012198, OMIM 609136.

Submission:

Department of Pediatrics, Division of Medical Genetics, Faculty of Medicine Ramathibodi Hospital, Mahidol University
Classification: Pathogenic for PCWH syndrome. Last evaluated: 2020-05-02. Review status: no assertion criteria provided. Collection method: research. Allele origin: de novo. Inheritance: Sporadic. Affected: yes. Observed: 1 heterozygote.
Comment: 1. de novo occurrence. 2. supporting evidences from functional studies: reporter assay confirmed sever disruption of MITF transcription activation activity ; subcellular localization study indicated deceased nuclear localization compared to wildtype SOX10.